The following is an entry in ClinVar:

NM_000535.7(PMS2):c.123_131del (p.Leu42_Glu44del)

Gene: PMS2 (PMS1 homolog 2, mismatch repair system component; minus strand). Cytogenetic location: 7p22.1.
Variant type: Deletion.
Coding change: c.123_131del on transcript NM_000535.7 (MANE Select); coding-DNA positions 123 to 131, 9 bases deleted (GTTAGTAGA; older notation c.123_131delGTTAGTAGA).
Protein change: p.Leu42_Glu44del.
Molecular consequence: inframe deletion. On other transcripts: 5 prime UTR variant (8), non-coding transcript variant (1), intron variant (3).
Genome position (GRCh38, 1-based): chr7:6,005,924-6,005,932, TCTACTAAC deleted on the plus strand (GTTAGTAGA on the coding strand, the reverse complement: PMS2 is on the minus strand); deleting any 9 consecutive bases within chr7:6,005,924-6,005,934 gives the same sequence; the c. name uses the placement nearest the transcript's 3' end. VCF-style (leftmost placement, unchanged base first): chr7-6005923-TTCTACTAAC-T. GRCh37 (hg19) VCF-style: chr7-6045554-TTCTACTAAC-T.
Other names: c.123_131delGTTAGTAGA (NM_000535.6, NM_000535.7, NM_000535.5); c.123_131del9 (NM_000535.5); c.-283_-275del (NM_001322003.2, NM_001322005.2, NM_001322009.2 and 1 more transcripts); c.123_131del, p.Leu42_Glu44del (NM_001322006.2, NM_001322014.2); c.-93_-85del (NM_001322007.2); c.-762_-754del (NM_001322011.2, NM_001322012.2); c.-362_-354del (NM_001322015.2); c.-52-1874_-52-1866del (NM_001322008.2); and 2 more.
Identifiers: ClinVar variation 216449 (VCV000216449.32), dbSNP rs863224676, ClinGen allele CA336478.

ClinVar aggregate classification (germline): Pathogenic/Likely pathogenic. Review status: criteria provided, multiple submitters, no conflicts (2 of 4 stars). 12 submissions from 12 submitters: Pathogenic (5); Likely pathogenic (6). 1 of the submissions does not count toward it. Last evaluated 2026-03-27.

Conditions:
Hereditary nonpolyposis colorectal neoplasms. Identifiers: MedGen C0009405, MeSH D003123.
Hereditary nonpolyposis colon cancer (HNPCC). Also called: Hereditary nonpolyposis colorectal cancer; Familial nonpolyposis colon cancer; Hereditary Nonpolyposis Colorectal Cancer Syndrome. Identifiers: Orphanet 443909, MedGen C1333990, MONDO:0018630. Disease mechanism: loss of function.
Hereditary cancer-predisposing syndrome. Also called: Tumor predisposition; Neoplastic Syndromes, Hereditary; Hereditary Cancer Syndrome; Hereditary neoplastic syndrome. Identifiers: Orphanet 140162, MedGen C0027672, MeSH D009386, MONDO:0015356.
Lynch syndrome. Identifiers: Orphanet 144, MedGen C4552100, MONDO:0005835. Disease mechanism: loss of function.
Lynch syndrome 4 (LYNCH4). Also called: Hereditary non-polyposis colorectal cancer, type 4; Colorectal cancer, hereditary nonpolyposis, type 4. Identifiers: Orphanet 144, MedGen C1838333, MONDO:0013699, OMIM 614337. Disease mechanism: loss of function.

Submissions 1 to 7 of 12:

Myriad Genetics, Inc.
Classification: Likely pathogenic for Lynch syndrome 4. Last evaluated: 2026-03-27. Review status: criteria provided, single submitter. Criteria: Myriad Autosomal Dominant, Autosomal Recessive and X-Linked Classification Criteria (2023). Collection method: clinical testing. Allele origin: unknown.
Comment: This variant is considered likely pathogenic. This variant has been reported in an individual with clinical features of gene-specific disease [PMID: 30653781]. Functional studies indicate this variant impacts protein function [PMID: 30653781]. This variant is expected to disrupt protein structure [Myriad internal data].

Women's Health and Genetics/Laboratory Corporation of America, LabCorp
Classification: Pathogenic for Hereditary nonpolyposis colon cancer. Last evaluated: 2026-03-10. Review status: criteria provided, single submitter. Criteria: LabCorp Variant Classification Summary - May 2015. Collection method: clinical testing. Allele origin: germline.
Comment: Variant summary: PMS2 c.123_131delGTTAGTAGA (p.Leu42_Glu44del) results in an in-frame deletion that is predicted to remove 3 amino acids from the encoded protein. The frequency data for this variant in gnomAD is considered unreliable, as metrics indicate poor data quality at this position. c.123_131delGTTAGTAGA has been observed in the heterozygous or presumed compound heterozygous state in multiple individual(s) affected with Hereditary Nonpolyposis Colorectal Cancer or constitutional mismatch repair deficiency, respectively (example, Yurgelun_2015, D'Arcy_2019, Ercan_2024, internal data). These data indicate that the variant is likely to be associated with disease. At least one publication reports experimental evidence evaluating an impact on protein function, finding that the variant ablated MMR capacity and ATPase activity (D'Arcy_2019). The following publications have been ascertained in the context of this evaluation (PMID: 30653781, 25980754, 38552658). ClinVar contains an entry for this variant (Variation ID: 216449). Based on the evidence outlined above, the variant was classified as pathogenic.

Color Diagnostics, LLC DBA Color Health
Classification: Likely pathogenic for Hereditary cancer-predisposing syndrome. Last evaluated: 2025-07-21. Review status: criteria provided, single submitter. Criteria: ACMG Guidelines, 2015. Collection method: clinical testing. Allele origin: germline.
Comment: This variant is a 3 amino acid deletion within the amino-terminal ATPase domain of the PMS2 protein. Functional studies have shown that this variant is defective for protein expression, mismatch repair activity and ATPase activity, and demonstrated increased microsatellite instability (PMID: 30653781, 35189042). Structural studies have also indicated the variant protein is disordered and prone to aggregation (PMID: 30653781). This variant has been reported in several individuals affected with Lynch syndrome-associated cancers (PMID: 25980754ClinVar SCV000254595.11, SCV000663563.5). This variant has also been observed in compound heterozygous state with a known pathogenic PMS2 variant in an individual affected with autosomal recessive constitutional mismatch repair disorder (PMID: 30653781). This variant has not been identified in the general population by the Genome Aggregation Database (gnomAD). Based on the available evidence, this variant is classified as Likely Pathogenic.

GeneDx
Classification: Pathogenic. Last evaluated: 2025-07-03. Review status: criteria provided, single submitter. Criteria: GeneDx Variant Classification Process June 2021. Collection method: clinical testing. Allele origin: germline. Affected: yes.
Comment: Observed in individuals with Lynch-associated cancer and/or polyps (PMID: 25980754); Published functional studies demonstrate a damaging effect: deficient mismatch repair activity, reduced protein expression, and absent ATPase activity (PMID: 30653781); In-frame deletion of 3 amino acids in a non-repeat region predicted to critically alter the protein.; In silico analysis supports a deleterious effect on protein structure/function; This variant is associated with the following publications: (PMID: 30653781, 32719484, 25980754)

Labcorp Genetics (formerly Invitae), Labcorp
Classification: Pathogenic for Hereditary nonpolyposis colorectal neoplasms. Last evaluated: 2025-04-28. Review status: criteria provided, single submitter. Criteria: Invitae Variant Classification Sherloc (09022015). Collection method: clinical testing. Allele origin: germline.
Comment: This variant, c.123_131del, results in the deletion of 3 amino acid(s) of the PMS2 protein (p.Leu42_Glu44del), but otherwise preserves the integrity of the reading frame. This variant is not present in population databases (gnomAD no frequency). This variant has been observed in individual(s) with Lynch syndrome and constitutive mismatch repair deficiency syndrome (PMID: 25980754, 30653781; internal data). In at least one individual the data is consistent with being in trans (on the opposite chromosome) from a pathogenic variant. Invitae Evidence Modeling of clinical and family history, age, sex, and reported ancestry of multiple individuals with this PMS2 variant has been performed. This variant is expected to be pathogenic with a positive predictive value of at least 99%. This is a validated machine learning model that incorporates the clinical features of 1,627,235 individuals referred to our laboratory for PMS2 testing. ClinVar contains an entry for this variant (Variation ID: 216449). Algorithms developed to predict the effect of variants on gene product structure and function are not available or were not evaluated for this variant. Experimental studies have shown that this variant affects PMS2 function (PMID: 30653781). For these reasons, this variant has been classified as Pathogenic.

Molecular Pathology, Peter Maccallum Cancer Centre
Classification: Likely pathogenic for Lynch syndrome 4. Last evaluated: 2025-02-27. Review status: criteria provided, single submitter. Criteria: ACMG Guidelines, 2015. Collection method: clinical testing. Allele origin: germline. Inheritance: Autosomal dominant inheritance.

Ambry Genetics
Classification: Pathogenic for Hereditary cancer-predisposing syndrome. Last evaluated: 2024-09-06. Review status: criteria provided, single submitter. Criteria: Ambry Variant Classification Scheme 2023. Collection method: clinical testing. Allele origin: germline.
Comment: The c.123_131delGTTAGTAGA pathogenic mutation (also known as p.L42_E44del) is located in coding exon 2 of the PMS2 gene. This variant results from an in-frame deletion of 9 nucleotides at positions 123 to 131. This results in the deletion of three amino acids between codons 42 and 44. This alteration has been identified in three unrelated individuals with colorectal tumors that demonstrated isolated loss of PMS2 expression by IHC; two of these probands had a family history of colorectal cancer (Ambry internal data). This variant has been reported in a cohort of healthy individuals undergoing population screening for genetic conditions (Grzymski JJ et al. Nature Med. 2020 Aug;26(8):1235-9). However, it was also identified in a patient with Constitutional Mismatch Repair Deficiency syndrome (CMMRD), who also had PMS2 mutation p.R802* in trans, and functional analysis demonstrated that this variant lacks in vitro mismatch repair and ATPase activities (D'Arcy BM et al. Hum. Mutat. 2019 Apr;40:458-471). Based on an internal structural assessment, this alteration disrupts critical ATP-binding residues (Ban C et al. Cell. 1999 Apr;97:85-97; Guarn&eacute; A et al. EMBO J. 2001 Oct;20:5521-31; Wu H et al. Acta Crystallogr F Struct Biol Commun. 2015 Aug;71:981-5). This variant is considered to be rare based on population cohorts in the Genome Aggregation Database (gnomAD). These amino acid positions are well conserved in available vertebrate species. In addition, this alteration is predicted to be deleterious by in silico analysis (Choi Y et al. PLoS ONE. 2012;7:e46688). Based on the supporting evidence, this alteration is interpreted as a disease-causing mutation.